The following is an entry in ClinVar:

NM_001048174.2(MUTYH):c.1393-17C>G

Gene: MUTYH (mutY DNA glycosylase; minus strand). Cytogenetic location: 1p34.1.
Variant type: single nucleotide variant.
Coding change: c.1393-17C>G on transcript NM_001048174.2 (MANE Select); 17 bases into the intron before coding-DNA position 1393, C replaced by G.
Molecular consequence: intron variant.
Genome position (GRCh38, 1-based): chr1:45,330,574, G>C on the plus strand (C>G on the coding strand, the complement: MUTYH is on the minus strand). VCF-style: chr1-45330574-G-C. GRCh37 (hg19) VCF-style: chr1-45796246-G-C.
Other names: c.1048-17C>G (NM_001350651.2, NM_001350650.2); c.1117-17C>G (NM_001293192.2, NM_001293196.2); c.1393-17C>G (NM_001048171.2, NM_001048173.2, NM_001293195.2); c.1438-17C>G (NM_001293190.2); c.1468-17C>G (NM_012222.3); c.1477-17C>G (NM_001128425.2); c.1396-17C>G (NM_001048172.2); c.1426-17C>G (NM_001293191.2).
Identifiers: ClinVar variation 378185 (VCV000378185.19), dbSNP rs199664013, ClinGen allele CA056535.

ClinVar aggregate classification (germline): Likely benign. Review status: criteria provided, multiple submitters, no conflicts (2 of 4 stars). 6 submissions from 6 submitters: Likely benign (5). 1 of the submissions does not count toward it. Last evaluated 2025-12-27.

Conditions:
Hereditary cancer-predisposing syndrome. Also called: Neoplastic Syndromes, Hereditary; Hereditary Cancer Syndrome; Hereditary neoplastic syndrome; Tumor predisposition. Identifiers: Orphanet 140162, MedGen C0027672, MeSH D009386, MONDO:0015356.
Familial adenomatous polyposis 2. Also called: ADENOMAS, MULTIPLE COLORECTAL, AUTOSOMAL RECESSIVE; MYH-associated polyposis; Adenomas, multiple colorectal; MUTYH Polyposis; COLORECTAL ADENOMATOUS POLYPOSIS, AUTOSOMAL RECESSIVE; FAP type 2. Identifiers: Orphanet 220460, Orphanet 247798, MedGen C3272841, MONDO:0012041, OMIM 608456.

Allele frequency attached by ClinVar (database versions not stated): ESP Exome Variant Server 0.00015; 1000 Genomes Project 30x 0.00016; gnomAD exomes 0.00017 and 0.00007; 1000 Genomes Project 0.00020; TOPMed 0.00006; ExAC 0.00010; gnomAD 0.00012.
gnomAD v4.1: 260 of 1,605,114 alleles (0.016%); highest among the groups gnomAD compares: Non-Finnish European, 0.021%; no homozygotes.

Submissions (6):

Labcorp Genetics (formerly Invitae), Labcorp
Classification: Likely benign for Familial adenomatous polyposis 2. Last evaluated: 2025-12-27. Review status: criteria provided, single submitter. Criteria: Invitae Variant Classification Sherloc (09022015). Collection method: clinical testing. Allele origin: germline.

Center for Genomic Medicine, Rigshospitalet, Copenhagen University Hospital
Classification: Likely benign. Last evaluated: 2025-03-04. Review status: criteria provided, single submitter. Criteria: ACMG Guidelines, 2015. Collection method: clinical testing. Allele origin: germline.

PreventionGenetics, part of Exact Sciences
Classification: Likely benign. Last evaluated: 2017-10-11. Review status: criteria provided, single submitter. Criteria: ACMG Guidelines, 2015. Collection method: clinical testing. Allele origin: germline.

GeneDx
Classification: Likely benign. Last evaluated: 2017-01-02. Review status: criteria provided, single submitter. Criteria: GeneDx Variant Classification (06012015). Collection method: clinical testing. Allele origin: germline. Affected: yes.
Comment: This variant is considered likely benign or benign based on one or more of the following criteria: it is a conservative change, it occurs at a poorly conserved position in the protein, it is predicted to be benign by multiple in silico algorithms, and/or has population frequency not consistent with disease.

Color Diagnostics, LLC DBA Color Health
Classification: Likely benign for Hereditary cancer-predisposing syndrome. Last evaluated: 2016-06-13. Review status: criteria provided, single submitter. Criteria: ACMG Guidelines, 2015. Collection method: clinical testing. Allele origin: germline.

Counsyl
Classification: Likely benign for Familial adenomatous polyposis 2. Last evaluated: 2018-04-09. Review status: no assertion criteria provided. Collection method: clinical testing. Allele origin: unknown. Not counted in ClinVar's aggregate classification.

Literature cited by the submitters: PubMed 27978560 (cited by Counsyl); PubMed 28135145 (cited by Counsyl); PubMed 25186627 (cited by Counsyl); PubMed 17524638 (cited by Counsyl); PubMed 17931073 (cited by Counsyl).